The following is an entry in ClinVar:

NM_002890.3(RASA1):c.2980G>C (p.Asp994His)

Genes: CCNH (cyclin H; minus strand), RASA1 (RAS p21 protein activator 1; plus strand). Cytogenetic location: 5q14.3.
Variant type: single nucleotide variant.
Coding change: c.2980G>C on transcript NM_002890.3 (MANE Select); coding-DNA position 2980, G replaced by C.
Protein change: p.Asp994His; replaces aspartic acid 994 with histidine.
Molecular consequence: missense variant. On other transcripts: intron variant (1).
Genome position (GRCh38, 1-based): chr5:87,389,447, G>C. VCF-style: chr5-87389447-G-C. GRCh37 (hg19) VCF-style: chr5-86685264-G-C.
Other names: c.2449G>C, p.Asp817His (NM_022650.3); c.933+5597C>G (NM_001364075.2); short protein forms D994H, D817H.
Identifiers: ClinVar variation 4843886 (VCV004843886.1).
Genomic context (GRCh38, chr5:87,389,447, plus strand): 5'-TTAAAGAATGTACCTGAACTTCCGGACACTACAGAGCATTCTAGAACGGACCTGTCCCGT[G>C]ATTTAGCAGCATTGCATGAGATTTGCGTGGCTCATTCAGATGAACTTCGAACGCTCAGTA-3'
Protein context (NP_002881.1, residues 984-1004): TEHSRTDLSR[Asp994His]LAALHEICVA

ClinVar aggregate classification (germline): Uncertain significance (1 of 4 stars; one submission).

Conditions:
Cardiovascular phenotype. Identifiers: MedGen CN230736.

Submission:

Ambry Genetics
Classification: Uncertain significance for Cardiovascular phenotype. Last evaluated: 2025-12-16. Review status: criteria provided, single submitter. Criteria: Ambry Variant Classification Scheme 2023. Collection method: clinical testing. Allele origin: germline.
Comment: The p.D994H variant (also known as c.2980G>C), located in coding exon 24 of the RASA1 gene, results from a G to C substitution at nucleotide position 2980. The aspartic acid at codon 994 is replaced by histidine, an amino acid with similar properties. This amino acid position is conserved. In addition, the in silico prediction for this alteration is inconclusive. Based on the available evidence, the clinical significance of this variant remains unclear.